The following is an entry in ClinVar:

ClinVar aggregate classification (germline): Uncertain significance (1 of 4 stars; one submission).

Allele frequency attached by ClinVar (database versions not stated): gnomAD exomes below 0.00001.
gnomAD v4.1: 6 of 1,613,658 alleles (0.00037%); highest among the groups gnomAD compares: Non-Finnish European, 0.00051%; no homozygotes.

Submission:

Labcorp Genetics (formerly Invitae), Labcorp
Classification: Uncertain significance. Last evaluated: 2022-03-28. Review status: criteria provided, single submitter. Criteria: Invitae Variant Classification Sherloc (09022015). Collection method: clinical testing. Allele origin: germline.
Comment: In summary, the available evidence is currently insufficient to determine the role of this variant in disease. Therefore, it has been classified as a Variant of Uncertain Significance. Algorithms developed to predict the effect of missense changes on protein structure and function (SIFT, PolyPhen-2, Align-GVGD) all suggest that this variant is likely to be disruptive. This variant has not been reported in the literature in individuals affected with FRAS1-related conditions. This variant is not present in population databases (gnomAD no frequency). This sequence change replaces alanine, which is neutral and non-polar, with valine, which is neutral and non-polar, at codon 2596 of the FRAS1 protein (p.Ala2596Val).

NM_025074.7(FRAS1):c.7787C>T (p.Ala2596Val)

Gene: FRAS1 (Fraser extracellular matrix complex subunit 1; plus strand). Cytogenetic location: 4q21.21.
Variant type: single nucleotide variant.
Coding change: c.7787C>T on transcript NM_025074.7 (MANE Select); coding-DNA position 7787, C replaced by T.
Protein change: p.Ala2596Val; replaces alanine 2596 with valine.
Molecular consequence: missense variant.
Genome position (GRCh38, 1-based): chr4:78,475,542, C>T. VCF-style: chr4-78475542-C-T. GRCh37 (hg19) VCF-style: chr4-79396696-C-T.
Other names: short protein forms A2596V.
Identifiers: ClinVar variation 1968533 (VCV001968533.3), dbSNP rs2477304151, ClinGen allele CA357371103.
Genomic context (GRCh38, chr4:78,475,542, plus strand): 5'-AGAGGACTGGGAACCTGAACCAATATGCCATCGTCCTGTGTCGCACCGAGCAAGGCACCG[C>T]CAGCTCCAGCTCCAGGGTCAGCTCCCAACCTGGGCAACAGGACTATGTAGAGTATGCTGG-3'
Protein context (NP_079350.5, residues 2586-2606): IVLCRTEQGT[Ala2596Val]SSSSRVSSQP